The following is an entry in ClinVar:

NM_000531.6(OTC):c.582C>A (p.Ile194=)

Gene: OTC (ornithine transcarbamylase; plus strand). Cytogenetic location: Xp11.4.
Variant type: single nucleotide variant.
Coding change: c.582C>A on transcript NM_000531.6 (MANE Select); coding-DNA position 582, C replaced by A.
Protein change: p.Ile194=; no amino-acid change (isoleucine 194 retained).
Molecular consequence: synonymous variant.
Genome position (GRCh38, 1-based): chrX:38,403,659, C>A. VCF-style: chrX-38403659-C-A. GRCh37 (hg19) VCF-style: chrX-38262912-C-A.
Other names: c.582C>A (NM_000531.5).
Identifiers: ClinVar variation 1169772 (VCV001169772.14), dbSNP rs200564773, ClinGen allele CA10385894.

ClinVar aggregate classification (germline): Benign/Likely benign. Review status: criteria provided, multiple submitters, no conflicts (2 of 4 stars). 4 submissions from 4 submitters: Benign (1); Likely benign (2). 1 of the submissions does not count toward it. Last evaluated 2025-02-16.

Conditions:
OTC-related disorder. Also called: OTC-related condition.
Ornithine carbamoyltransferase deficiency (OTCD). Also called: OTC DEFICIENCY; ORNITHINE TRANSCARBAMYLASE DEFICIENCY, HYPERAMMONEMIA DUE TO; ORNITHINE TRANSCARBAMYLASE DEFICIENCY; Ornithine Carbamoyltransferase Deficiency Disease. Identifiers: Orphanet 664, MedGen C0268542, MONDO:0010703, OMIM 311250.

gnomAD v4.1: 15 of 1,205,719 alleles (0.0012%); highest among the groups gnomAD compares: Non-Finnish European, 0.0017%; no homozygotes.

Submissions (4):

Labcorp Genetics (formerly Invitae), Labcorp
Classification: Benign for Ornithine carbamoyltransferase deficiency. Last evaluated: 2025-02-16. Review status: criteria provided, single submitter. Criteria: Invitae Variant Classification Sherloc (09022015). Collection method: clinical testing. Allele origin: germline.

Blueprint Genetics
Classification: Likely benign. Last evaluated: 2023-02-27. Review status: criteria provided, single submitter. Criteria: ACMG Guidelines, 2015. Collection method: clinical testing. Allele origin: germline.

Color Diagnostics, LLC DBA Color Health
Classification: Likely benign for Ornithine carbamoyltransferase deficiency. Last evaluated: 2022-04-21. Review status: criteria provided, single submitter. Criteria: ACMG Guidelines, 2015. Collection method: clinical testing. Allele origin: germline.

PreventionGenetics, part of Exact Sciences
Classification: Likely benign for OTC-related condition. Last evaluated: 2019-04-25. Review status: no assertion criteria provided. Collection method: clinical testing. Allele origin: germline. Not counted in ClinVar's aggregate classification.
Comment: This variant is classified as likely benign based on ACMG/AMP sequence variant interpretation guidelines (Richards et al. 2015 PMID: 25741868, with internal and published modifications).